The following is an entry in ClinVar:

ClinVar aggregate classification (germline): Pathogenic (1 of 4 stars; one submission).

Conditions:
Pyridoxine-dependent epilepsy (EPEO4). Also called: PYRIDOXINE DEPENDENCY WITH SEIZURES; Pyridoxine-Dependent Seizures; EPILEPSY, EARLY-ONSET, 4, VITAMIN B6-DEPENDENT; Pyridoxine-Dependent Epilepsy - ALDH7A1. Identifiers: Orphanet 3006, MedGen C1849508, MONDO:0009945, OMIM 266100. Disease mechanism: loss of function.

Submission:

Labcorp Genetics (formerly Invitae), Labcorp
Classification: Pathogenic for Pyridoxine-dependent epilepsy. Last evaluated: 2023-11-04. Review status: criteria provided, single submitter. Criteria: Invitae Variant Classification Sherloc (09022015). Collection method: clinical testing. Allele origin: germline.
Comment: This sequence change creates a premature translational stop signal (p.Asn366*) in the ALDH7A1 gene. It is expected to result in an absent or disrupted protein product. Loss-of-function variants in ALDH7A1 are known to be pathogenic (PMID: 16491085, 20554659). This variant is not present in population databases (gnomAD no frequency). This variant has not been reported in the literature in individuals affected with ALDH7A1-related conditions. Algorithms developed to predict the effect of sequence changes on RNA splicing suggest that this variant may disrupt the consensus splice site. For these reasons, this variant has been classified as Pathogenic.

Literature cited by the submitters: PubMed 16491085; PubMed 20554659.

NM_001182.5(ALDH7A1):c.1092dup (p.Pro365_Asn366insTer)

Gene: ALDH7A1 (aldehyde dehydrogenase 7 family member A1; minus strand). Cytogenetic location: 5q23.2.
Variant type: Duplication.
Coding change: c.1092dup on transcript NM_001182.5 (MANE Select); coding-DNA position 1092, one base duplicated (C; older notation c.1092dupC).
Protein change: p.Pro365_Asn366insTer.
Molecular consequence: frameshift variant. On other transcripts: intron variant (1).
Genome position (GRCh38, 1-based): chr5:126,555,931, G duplicated on the plus strand (C on the coding strand, the reverse complement: ALDH7A1 is on the minus strand); the first of 2 consecutive G bases (chr5:126,555,931-126,555,932); duplicating either gives the same sequence. VCF-style (leftmost placement, unchanged base first): chr5-126555930-C-CG. GRCh37 (hg19) VCF-style: chr5-125891622-C-CG.
Other names: c.1008dup, p.Pro337_Asn338insTer (NM_001201377.2); c.1008+3309dup (NM_001202404.2).
Identifiers: ClinVar variation 2866931 (VCV002866931.3), dbSNP rs2480267762, ClinGen allele CA2675069552.